The following is an entry in ClinVar:

ClinVar aggregate classification (germline): Uncertain significance (1 of 4 stars; one submission).

gnomAD v4.1: 1 of 1,614,196 alleles (0.000062%); highest among the groups gnomAD compares: Non-Finnish European, 0.000085%; no homozygotes.

Submission:

Labcorp Genetics (formerly Invitae), Labcorp
Classification: Uncertain significance. Last evaluated: 2024-12-12. Review status: criteria provided, single submitter. Criteria: Invitae Variant Classification Sherloc (09022015). Collection method: clinical testing. Allele origin: germline.
Comment: This sequence change replaces tryptophan, which is neutral and slightly polar, with arginine, which is basic and polar, at codon 436 of the PIGV protein (p.Trp436Arg). This variant is not present in population databases (gnomAD no frequency). This variant has not been reported in the literature in individuals affected with PIGV-related conditions. Invitae Evidence Modeling of protein sequence and biophysical properties (such as structural, functional, and spatial information, amino acid conservation, physicochemical variation, residue mobility, and thermodynamic stability) indicates that this missense variant is not expected to disrupt PIGV protein function with a negative predictive value of 95%. In summary, the available evidence is currently insufficient to determine the role of this variant in disease. Therefore, it has been classified as a Variant of Uncertain Significance.

NM_017837.4(PIGV):c.1306T>C (p.Trp436Arg)

Gene: PIGV (phosphatidylinositol glycan anchor biosynthesis class V; plus strand). Cytogenetic location: 1p36.11.
Variant type: single nucleotide variant.
Coding change: c.1306T>C on transcript NM_017837.4 (MANE Select); coding-DNA position 1306, T replaced by C.
Protein change: p.Trp436Arg; replaces tryptophan 436 with arginine.
Molecular consequence: missense variant. On other transcripts: non-coding transcript variant (2).
Genome position (GRCh38, 1-based): chr1:26,797,668, T>C. VCF-style: chr1-26797668-T-C. GRCh37 (hg19) VCF-style: chr1-27124159-T-C.
Other names: c.1306T>C, p.Trp436Arg (NM_001202554.2, NM_001374478.1, NM_001374480.1 and 2 more transcripts); c.925T>C, p.Trp309Arg (NM_001374483.1); c.679T>C, p.Trp227Arg (NM_001374484.1, NM_001374485.1); c.184T>C, p.Trp62Arg (NM_001374486.1); short protein forms W309R, W227R, W436R, W62R.
Identifiers: ClinVar variation 3687452 (VCV003687452.2).